The following is an entry in ClinVar:

NM_005909.5(MAP1B):c.3244G>A (p.Ala1082Thr)

Gene: MAP1B (microtubule associated protein 1B; plus strand). Cytogenetic location: 5q13.2.
Variant type: single nucleotide variant.
Coding change: c.3244G>A on transcript NM_005909.5 (MANE Select); coding-DNA position 3244, G replaced by A.
Protein change: p.Ala1082Thr; replaces alanine 1082 with threonine.
Molecular consequence: missense variant.
Genome position (GRCh38, 1-based): chr5:72,196,599, G>A. VCF-style: chr5-72196599-G-A. GRCh37 (hg19) VCF-style: chr5-71492426-G-A.
Other names: c.2866G>A, p.Ala956Thr (NM_001324255.2); c.3244G>A (NM_005909.4); short protein forms A1082T, A956T.
Identifiers: ClinVar variation 3122705 (VCV003122705.2), dbSNP rs145563973, ClinGen allele CA3298966.
Genomic context (GRCh38, chr5:72,196,599, plus strand): 5'-TATGGATTCCTCACCACACCAACCAAGCAACTAGGAGCCCAGTCTCCTGGCCGAGAACCT[G>A]CATCTTCAATTCATGATGAGACTTTACCTGGAGGCTCAGAGAGCGAGGCCACCGCTTCTG-3'
Protein context (NP_005900.2, residues 1072-1092): LGAQSPGREP[Ala1082Thr]SSIHDETLPG

ClinVar aggregate classification (germline): Likely benign. Review status: criteria provided, multiple submitters, no conflicts (2 of 4 stars). 2 submissions from 2 submitters: Likely benign (2). Last evaluated 2026-07-19.

Conditions:
Inborn genetic diseases. Identifiers: MedGen C0950123, MeSH D030342.
MAP1B-related disorder. Also called: MAP1B-related condition.

Allele frequency attached by ClinVar (database versions not stated): gnomAD exomes 0.00001; ExAC 0.00007; gnomAD 0.00020; TOPMed 0.00027; ESP Exome Variant Server 0.00046.
gnomAD v4.1: 46 of 1,613,890 alleles (0.0029%); highest among the groups gnomAD compares: African/African-American, 0.057%; no homozygotes.

Submissions (2):

PreventionGenetics, part of Exact Sciences
Classification: Likely benign for MAP1B-related condition. Last evaluated: 2026-07-19. Review status: criteria provided, single submitter. Criteria: ACMG Guidelines, 2015. Collection method: clinical testing. Allele origin: germline.
Comment: This variant is classified as likely benign based on ACMG/AMP sequence variant interpretation guidelines (Richards et al. 2015 PMID: 25741868, with internal and published modifications).

Ambry Genetics
Classification: Likely benign for Inborn genetic diseases. Last evaluated: 2023-11-03. Review status: criteria provided, single submitter. Criteria: Ambry Variant Classification Scheme 2023. Collection method: clinical testing. Allele origin: germline.